The following is an entry in ClinVar:

ClinVar aggregate classification (germline): Uncertain significance. Review status: criteria provided, multiple submitters, no conflicts (2 of 4 stars). 2 submissions from 2 submitters: Uncertain significance (2). Last evaluated 2026-06-28.

Conditions:
TRIM32-related disorder. Also called: TRIM32-related condition.
Bardet-Biedl syndrome (BBS). Identifiers: Orphanet 110, MedGen C0752166, MONDO:0015229.

Allele frequency attached by ClinVar (database versions not stated): TOPMed 0.00007; 1000 Genomes Project 30x 0.00016; 1000 Genomes Project 0.00020.
gnomAD v4.1: 11 of 1,614,078 alleles (0.00068%); highest among the groups gnomAD compares: East Asian, 0.022%; no homozygotes.

Submissions (2):

PreventionGenetics, part of Exact Sciences
Classification: Uncertain significance for TRIM32-related condition. Last evaluated: 2026-06-28. Review status: criteria provided, single submitter. Criteria: ACMG Guidelines, 2015. Collection method: clinical testing. Allele origin: germline.
Comment: The TRIM32 c.479T>G variant is predicted to result in the amino acid substitution p.Met160Arg. To our knowledge, this variant has not been reported in the literature. This variant is reported in 0.016% of alleles in individuals of East Asian descent in gnomAD. At this time, the clinical significance of this variant is uncertain due to the absence of conclusive functional and genetic evidence.

Labcorp Genetics (formerly Invitae), Labcorp
Classification: Uncertain significance for Bardet-Biedl syndrome. Last evaluated: 2022-10-24. Review status: criteria provided, single submitter. Criteria: Invitae Variant Classification Sherloc (09022015). Collection method: clinical testing. Allele origin: germline.
Comment: This sequence change replaces methionine, which is neutral and non-polar, with arginine, which is basic and polar, at codon 160 of the TRIM32 protein (p.Met160Arg). This variant is present in population databases (rs199699832, gnomAD 0.01%). This variant has not been reported in the literature in individuals affected with TRIM32-related conditions. ClinVar contains an entry for this variant (Variation ID: 656700). Algorithms developed to predict the effect of missense changes on protein structure and function are either unavailable or do not agree on the potential impact of this missense change (SIFT: "Deleterious"; PolyPhen-2: "Benign"; Align-GVGD: "Class C0"). In summary, the available evidence is currently insufficient to determine the role of this variant in disease. Therefore, it has been classified as a Variant of Uncertain Significance.

NM_012210.4(TRIM32):c.479T>G (p.Met160Arg)

Genes: ASTN2 (astrotactin 2; minus strand), TRIM32 (tripartite motif containing 32; plus strand). Cytogenetic location: 9q33.1.
Variant type: single nucleotide variant.
Coding change: c.479T>G on transcript NM_012210.4 (MANE Select); coding-DNA position 479, T replaced by G.
Protein change: p.Met160Arg; replaces methionine 160 with arginine.
Molecular consequence: missense variant. On other transcripts: intron variant (3).
Genome position (GRCh38, 1-based): chr9:116,698,221, T>G. VCF-style: chr9-116698221-T-G. GRCh37 (hg19) VCF-style: chr9-119460500-T-G.
Other names: c.479T>G, p.Met160Arg (NM_001099679.2, NM_001379048.1, NM_001379049.1 and 1 more transcripts); c.2653+27550A>C (NM_014010.5); c.2794+27550A>C (NM_001365069.1); c.2806+27550A>C (NM_001365068.1); short protein forms M160R.
Identifiers: ClinVar variation 656700 (VCV000656700.9), dbSNP rs199699832, ClinGen allele CA5210990.